The following is an entry in ClinVar:

NM_005961.3(MUC6):c.2687C>T (p.Thr896Met)

Gene: MUC6 (mucin 6, oligomeric mucus/gel-forming (gene/pseudogene); minus strand). Cytogenetic location: 11p15.5.
Variant type: single nucleotide variant.
Coding change: c.2687C>T on transcript NM_005961.3 (MANE Select); coding-DNA position 2687, C replaced by T.
Protein change: p.Thr896Met; replaces threonine 896 with methionine.
Molecular consequence: missense variant.
Genome position (GRCh38, 1-based): chr11:1,026,001, G>A on the plus strand (C>T on the coding strand, the complement: MUC6 is on the minus strand). VCF-style: chr11-1026001-G-A. GRCh37 (hg19) VCF-style: chr11-1026001-G-A.
Other names: short protein forms T896M.
Identifiers: ClinVar variation 5038512 (VCV005038512.1).

ClinVar aggregate classification (germline): Likely benign (1 of 4 stars; one submission).

gnomAD v4.1: 7,442 of 1,587,262 alleles (0.47%); highest among the groups gnomAD compares: Middle Eastern, 0.56%; 27 homozygotes.

Submission:

CeGaT Center for Human Genetics Tuebingen
Classification: Likely benign. Last evaluated: 2026-08-01. Review status: criteria provided, single submitter. Criteria: CeGaT Center For Human Genetics Tuebingen Variant Classification Criteria Version 2. Collection method: clinical testing. Allele origin: germline. Affected: yes. Observed: 1 variant allele.
Comment: MUC6: BP4, BS2